The following is an entry in ClinVar:

NM_015474.4(SAMHD1):c.1642C>T (p.Gln548Ter)

Gene: SAMHD1 (SAM and HD domain containing deoxynucleoside triphosphate triphosphohydrolase 1; minus strand). Cytogenetic location: 20q11.23.
Variant type: single nucleotide variant.
Coding change: c.1642C>T on transcript NM_015474.4 (MANE Select); coding-DNA position 1642, C replaced by T.
Protein change: p.Gln548Ter; replaces glutamine 548 with a stop codon.
Molecular consequence: nonsense.
Genome position (GRCh38, 1-based): chr20:36,897,926, G>A on the plus strand (C>T on the coding strand, the complement: SAMHD1 is on the minus strand). VCF-style: chr20-36897926-G-A. GRCh37 (hg19) VCF-style: chr20-35526329-G-A.
Other names: c.1537C>T, p.Gln513Ter (NM_001363729.2); c.1642C>T, p.Gln548Ter (NM_001363733.2); short protein forms Q548*, Q513*.
Identifiers: ClinVar variation 4071 (VCV000004071.13), dbSNP rs121434519, ClinGen allele CA340148.

ClinVar aggregate classification (germline): Pathogenic. Review status: criteria provided, multiple submitters, no conflicts (2 of 4 stars). 5 submissions from 5 submitters: Pathogenic (3). 2 of the submissions do not count toward it. Last evaluated 2024-12-06.

Conditions:
Chilblain lupus 2 (CHBL2). Identifiers: MedGen C3280721, MONDO:0013739, OMIM 614415.
Aicardi-Goutieres syndrome 5. Identifiers: Orphanet 51, MedGen C2749659, MONDO:0013059, OMIM 612952.

Allele frequency attached by ClinVar (database versions not stated): gnomAD exomes below 0.00001; TOPMed 0.00001; ExAC 0.00001; gnomAD 0.00001.
gnomAD v4.1: 1 of 1,614,064 alleles (0.000062%); highest among the groups gnomAD compares: Non-Finnish European, 0.000085%; no homozygotes.

Submissions (5):

GeneDx
Classification: Pathogenic. Last evaluated: 2024-12-06. Review status: criteria provided, single submitter. Criteria: GeneDx Variant Classification Process June 2021. Collection method: clinical testing. Allele origin: germline. Affected: yes.
Comment: Published functional studies demonstrate a damaging effect, with altered cellular localization, with both nuclear and cytoplasmic localization, as compared to mainly nuclear localization of wild type protein (PMID: 22461318, 28229507); Nonsense variant predicted to result in protein truncation or nonsense mediated decay and truncated protein expressed in in vitro functional analyses; Not observed at a significant frequency in large population cohorts (gnomAD); This variant is associated with the following publications: (PMID: 26434960, 25525159, 19525956, 28229507, 23371319, 27943079, 22461318)

Labcorp Genetics (formerly Invitae), Labcorp
Classification: Pathogenic for Aicardi-Goutieres syndrome 5. Last evaluated: 2024-05-19. Review status: criteria provided, single submitter. Criteria: Invitae Variant Classification Sherloc (09022015). Collection method: clinical testing. Allele origin: germline.
Comment: This sequence change creates a premature translational stop signal (p.Gln548*) in the SAMHD1 gene. It is expected to result in an absent or disrupted protein product. Loss-of-function variants in SAMHD1 are known to be pathogenic (PMID: 19525956, 22461318). This variant is present in population databases (rs121434519, gnomAD 0.0009%). This premature translational stop signal has been observed in individual(s) with Aicardi-Goutières syndrome (PMID: 19525956, 20131292). ClinVar contains an entry for this variant (Variation ID: 4071). For these reasons, this variant has been classified as Pathogenic.

Fulgent Genetics
Classification: Pathogenic for Aicardi-Goutieres syndrome 5; Chilblain lupus 2. Last evaluated: 2024-05-04. Review status: criteria provided, single submitter. Criteria: ACMG Guidelines, 2015. Collection method: clinical testing. Allele origin: germline.

OMIM
Classification: Pathogenic for AICARDI-GOUTIERES SYNDROME 5. Last evaluated: 2009-07-01. Review status: no assertion criteria provided. Collection method: literature only. Allele origin: germline. Not counted in ClinVar's aggregate classification.

GeneReviews
No classification provided. Condition: Aicardi-Goutieres syndrome 5. Review status: no classification provided. Collection method: literature only. Allele origin: germline. Affected: yes. Not counted in ClinVar's aggregate classification.

Literature cited by the submitters: PubMed 19525956 (cited by Labcorp Genetics (formerly Invitae), Labcorp and OMIM); PubMed 22461318 (cited by Labcorp Genetics (formerly Invitae), Labcorp); PubMed 20131292 (cited by Labcorp Genetics (formerly Invitae), Labcorp); NCBI Bookshelf NBK1475 (cited by GeneReviews).